The following is an entry in ClinVar:

NM_003482.4(KMT2D):c.1990C>T (p.Pro664Ser)

Gene: KMT2D (lysine methyltransferase 2D; minus strand). Cytogenetic location: 12q13.12.
Variant type: single nucleotide variant.
Coding change: c.1990C>T on transcript NM_003482.4 (MANE Select); coding-DNA position 1990, C replaced by T.
Protein change: p.Pro664Ser; replaces proline 664 with serine.
Molecular consequence: missense variant.
Genome position (GRCh38, 1-based): chr12:49,051,693, G>A on the plus strand (C>T on the coding strand, the complement: KMT2D is on the minus strand). VCF-style: chr12-49051693-G-A. GRCh37 (hg19) VCF-style: chr12-49445476-G-A.
Other names: short protein forms P664S.
Identifiers: ClinVar variation 4997488 (VCV004997488.1).

ClinVar aggregate classification (germline): Uncertain significance (1 of 4 stars; one submission).

Conditions:
KMT2D-related disorder. Also called: KMT2D-Related Disorders.

gnomAD v4.1: 1 of 1,580,156 alleles (0.000063%); highest among the groups gnomAD compares: East Asian, 0.0023%; no homozygotes.

Submission:

PreventionGenetics, part of Exact Sciences
Classification: Uncertain significance for KMT2D-related condition. Last evaluated: 2024-11-03. Review status: criteria provided, single submitter. Criteria: ACMG Guidelines, 2015. Collection method: clinical testing. Allele origin: germline.
Comment: The KMT2D c.1990C>T variant is predicted to result in the amino acid substitution p.Pro664Ser. To our knowledge, this variant has not been reported in the literature or in a large population database (gnomAD), indicating this variant is rare. At this time, the clinical significance of this variant is uncertain due to the absence of conclusive functional and genetic evidence.